The following is an entry in ClinVar:

NM_001267550.2(TTN):c.14775G>C (p.Gly4925=)

Gene: TTN (titin; minus strand). Cytogenetic location: 2q31.2.
Variant type: single nucleotide variant.
Coding change: c.14775G>C on transcript NM_001267550.2 (MANE Select); coding-DNA position 14775, G replaced by C.
Protein change: p.Gly4925=; no amino-acid change (glycine 4925 retained).
Molecular consequence: synonymous variant. On other transcripts: intron variant (3).
Genome position (GRCh38, 1-based): chr2:178,735,671, C>G on the plus strand (G>C on the coding strand, the complement: TTN is on the minus strand). VCF-style: chr2-178735671-C-G. GRCh37 (hg19) VCF-style: chr2-179600398-C-G.
Other names: c.13824G>C, p.Gly4608= (NM_001256850.1); c.11043G>C, p.Gly3681= (NM_133378.4); c.13282+2411G>C (NM_003319.4); c.13858+2411G>C (NM_133437.4); c.13657+2411G>C (NM_133432.3).
Identifiers: ClinVar variation 1637575 (VCV001637575.33), dbSNP rs755413215, ClinGen allele CA2002351.
Genomic context (GRCh38, chr2:178,735,671, plus strand): 5'-AAGTGTTGCTATTTTATCTTCAAAACAGATCTTATAATCTTTCCCTGGGGGGAGTTTTTG[C>G]CCATCTTTGCTCCACGTAACTGTGACTTTTCTGTCTTCATCTACTTGGCACTCAAGGTGG-3'
Protein context (NP_001254479.2, residues 4915-4935): RKVTVTWSKD[Gly4925=]QKLPPGKDYK

ClinVar aggregate classification (germline): Likely benign. Review status: criteria provided, multiple submitters, no conflicts (2 of 4 stars). 3 submissions from 3 submitters: Likely benign (3). Last evaluated 2025-06-01.

Conditions:
Dilated cardiomyopathy 1G (CMD1G). Identifiers: Orphanet 154, MedGen C1858763, MONDO:0011400, OMIM 604145.
Autosomal recessive limb-girdle muscular dystrophy type 2J (LGMDR10). Also called: Limb-girdle muscular dystrophy, type 2J; MUSCULAR DYSTROPHY, LIMB-GIRDLE, AUTOSOMAL RECESSIVE 10. Identifiers: Orphanet 140922, MedGen C1837342, MONDO:0012127, OMIM 608807.

Allele frequency attached by ClinVar (database versions not stated): TOPMed 0.00002.
gnomAD v4.1: 15 of 1,613,628 alleles (0.00093%); highest among the groups gnomAD compares: Non-Finnish European, 0.00093%; no homozygotes.

Submissions (3):

Labcorp Genetics (formerly Invitae), Labcorp
Classification: Likely benign for Dilated cardiomyopathy 1G; Autosomal recessive limb-girdle muscular dystrophy type 2J. Last evaluated: 2025-06-01. Review status: criteria provided, single submitter. Criteria: Invitae Variant Classification Sherloc (09022015). Collection method: clinical testing. Allele origin: germline.

Women's Health and Genetics/Laboratory Corporation of America, LabCorp
Classification: Likely benign. Last evaluated: 2023-05-06. Review status: criteria provided, single submitter. Criteria: LabCorp Variant Classification Summary - May 2015. Collection method: clinical testing. Allele origin: germline.

CeGaT Center for Human Genetics Tuebingen
Classification: Likely benign. Last evaluated: 2023-02-01. Review status: criteria provided, single submitter. Criteria: CeGaT Center For Human Genetics Tuebingen Variant Classification Criteria Version 2. Collection method: clinical testing. Allele origin: germline. Affected: yes. Observed: 1 variant allele.
Comment: TTN: BP4, BP7